The following is an entry in ClinVar:

ClinVar aggregate classification (germline): Conflicting classifications of pathogenicity. Review status: criteria provided, conflicting classifications (1 of 4 stars). 3 submissions from 3 submitters: Uncertain significance (2); Likely benign (1). Last evaluated 2026-02-17.

Conditions:
ZNF469-related disorder. Also called: ZNF469-related condition.
Cardiovascular phenotype. Identifiers: MedGen CN230736.

Allele frequency attached by ClinVar (database versions not stated): gnomAD exomes 0.00003; gnomAD 0.00005 and 0.00006; TOPMed 0.00005; ExAC 0.00007.

Submissions (3):

PreventionGenetics, part of Exact Sciences
Classification: Uncertain significance for ZNF469-related condition. Last evaluated: 2026-02-17. Review status: criteria provided, single submitter. Criteria: ACMG Guidelines, 2015. Collection method: clinical testing. Allele origin: germline.
Comment: The ZNF469 c.7289C>T variant is predicted to result in the amino acid substitution p.Thr2430Ile. To our knowledge, this variant has not been reported in the literature. This variant is reported in 0.011% of alleles in individuals of European (Non-Finnish) descent in gnomAD. At this time, the clinical significance of this variant is uncertain due to the absence of conclusive functional and genetic evidence.

Ambry Genetics
Classification: Likely benign for Cardiovascular phenotype. Last evaluated: 2024-08-15. Review status: criteria provided, single submitter. Criteria: Ambry Variant Classification Scheme 2023. Collection method: clinical testing. Allele origin: germline.

Labcorp Genetics (formerly Invitae), Labcorp
Classification: Uncertain significance. Last evaluated: 2022-07-12. Review status: criteria provided, single submitter. Criteria: Invitae Variant Classification Sherloc (09022015). Collection method: clinical testing. Allele origin: germline.
Comment: This sequence change replaces threonine, which is neutral and polar, with isoleucine, which is neutral and non-polar, at codon 2430 of the ZNF469 protein (p.Thr2430Ile). This variant is present in population databases (rs765397845, gnomAD 0.01%). This variant has not been reported in the literature in individuals affected with ZNF469-related conditions. ClinVar contains an entry for this variant (Variation ID: 1427755). Algorithms developed to predict the effect of missense changes on protein structure and function are either unavailable or do not agree on the potential impact of this missense change (SIFT: "Deleterious"; PolyPhen-2: "Benign"; Align-GVGD: "Class C0"). In summary, the available evidence is currently insufficient to determine the role of this variant in disease. Therefore, it has been classified as a Variant of Uncertain Significance.

NM_001367624.2(ZNF469):c.7373C>T (p.Thr2458Ile)

Gene: ZNF469 (zinc finger protein 469; plus strand). Cytogenetic location: 16q24.2.
Variant type: single nucleotide variant.
Coding change: c.7373C>T on transcript NM_001367624.2 (MANE Select); coding-DNA position 7373, C replaced by T.
Protein change: p.Thr2458Ile; replaces threonine 2458 with isoleucine.
Molecular consequence: missense variant.
Genome position (GRCh38, 1-based): chr16:88,434,843, C>T. VCF-style: chr16-88434843-C-T. GRCh37 (hg19) VCF-style: chr16-88501251-C-T.
Other names: NM_001127464.1:c.7289C>T; NM_001127464.2:c.7289C>T; short protein forms T2458I.
Identifiers: ClinVar variation 1427755 (VCV001427755.9), dbSNP rs765397845, ClinGen allele CA8225239.